The following is an entry in ClinVar:

NM_014915.3(ANKRD26):c.3734C>T (p.Thr1245Met)

Gene: ANKRD26 (ankyrin repeat domain 26; minus strand). Cytogenetic location: 10p12.1.
Variant type: single nucleotide variant.
Coding change: c.3734C>T on transcript NM_014915.3 (MANE Select); coding-DNA position 3734, C replaced by T.
Protein change: p.Thr1245Met; replaces threonine 1245 with methionine.
Molecular consequence: missense variant.
Genome position (GRCh38, 1-based): chr10:27,033,298, G>A on the plus strand (C>T on the coding strand, the complement: ANKRD26 is on the minus strand). VCF-style: chr10-27033298-G-A. GRCh37 (hg19) VCF-style: chr10-27322227-G-A.
Other names: p.Thr1245Met; c.3731C>T, p.Thr1244Met (NM_001256053.2); short protein forms T1244M, T1245M.
Identifiers: ClinVar variation 2063093 (VCV002063093.10), dbSNP rs770749364, ClinGen allele CA5447970.

ClinVar aggregate classification (germline): Uncertain significance. Review status: criteria provided, multiple submitters, no conflicts (2 of 4 stars). 6 submissions from 6 submitters: Uncertain significance (6). Last evaluated 2025-12-11.

Conditions:
ANKRD26-related disorder. Also called: ANKRD26-related condition.
Thrombocytopenia 2 (THC2). Also called: ANKRD26-Related Thrombocytopenia. Identifiers: Orphanet 268322, MedGen C1861185, MONDO:0008555, OMIM 188000.
Inborn genetic diseases. Identifiers: MedGen C0950123, MeSH D030342.

Allele frequency attached by ClinVar (database versions not stated): TOPMed 0.00002; ExAC 0.00003; gnomAD 0.00003; gnomAD exomes 0.00006.
gnomAD v4.1: 88 of 1,612,430 alleles (0.0055%); highest among the groups gnomAD compares: East Asian, 0.17%; 1 homozygote.

Submissions (6):

PreventionGenetics, part of Exact Sciences
Classification: Uncertain significance for ANKRD26-related condition. Last evaluated: 2025-12-11. Review status: criteria provided, single submitter. Criteria: ACMG Guidelines, 2015. Collection method: clinical testing. Allele origin: germline.
Comment: The ANKRD26 c.3734C>T variant is predicted to result in the amino acid substitution p.Thr1245Met. To our knowledge, this variant has not been reported in the literature. This variant is reported in 0.020% of alleles in individuals of East Asian descent in gnomAD. Although we suspect that this variant may be benign, at this time, the clinical significance of this variant is uncertain due to the absence of conclusive functional and genetic evidence.

Labcorp Genetics (formerly Invitae), Labcorp
Classification: Uncertain significance. Last evaluated: 2025-10-26. Review status: criteria provided, single submitter. Criteria: Invitae Variant Classification Sherloc (09022015). Collection method: clinical testing. Allele origin: germline.
Comment: This sequence change replaces threonine, which is neutral and polar, with methionine, which is neutral and non-polar, at codon 1245 of the ANKRD26 protein (p.Thr1245Met). This variant is present in population databases (rs770749364, gnomAD 0.02%). This variant has not been reported in the literature in individuals affected with ANKRD26-related conditions. ClinVar contains an entry for this variant (Variation ID: 2063093). An algorithm developed to predict the effect of missense changes on protein structure and function (PolyPhen-2) suggests that this variant is likely to be disruptive. In summary, the available evidence is currently insufficient to determine the role of this variant in disease. Therefore, it has been classified as a Variant of Uncertain Significance.

GeneDx
Classification: Uncertain significance. Last evaluated: 2025-02-11. Review status: criteria provided, single submitter. Criteria: GeneDx Variant Classification Process June 2021. Collection method: clinical testing. Allele origin: germline.
Comment: In silico analysis supports that this missense variant has a deleterious effect on protein structure/function; Has not been previously published as pathogenic or benign to our knowledge

ARUP Laboratories, Molecular Genetics and Genomics, ARUP Laboratories
Classification: Uncertain significance for Thrombocytopenia 2. Last evaluated: 2025-01-31. Review status: criteria provided, single submitter. Criteria: ARUP Molecular Germline Variant Investigation Process 2024. Collection method: clinical testing. Allele origin: germline.
Comment: The ANKRD26 c.3734C>T; p.Thr1245Met variant (rs770749364), to our knowledge, is not reported in the medical literature but is reported in ClinVar (Variation ID: 2063093). This variant is only observed on seven alleles in the Genome Aggregation Database (v2.1.1), indicating it is not a common polymorphism. Computational analyses are uncertain whether this variant is neutral or deleterious (REVEL: 0.239). Due to limited information, the clinical significance of this variant is uncertain at this time.

Ambry Genetics
Classification: Uncertain significance for Inborn genetic diseases. Last evaluated: 2024-12-05. Review status: criteria provided, single submitter. Criteria: Ambry Variant Classification Scheme 2023. Collection method: clinical testing. Allele origin: germline.
Comment: The p.T1245M variant (also known as c.3734C>T), located in coding exon 25 of the ANKRD26 gene, results from a C to T substitution at nucleotide position 3734. The threonine at codon 1245 is replaced by methionine, an amino acid with similar properties. This amino acid position is conserved. In addition, this alteration is predicted to be tolerated by in silico analysis. Based on the available evidence, the clinical significance of this variant remains unclear.

Mayo Clinic Laboratories, Mayo Clinic
Classification: Uncertain significance. Last evaluated: 2024-05-07. Review status: criteria provided, single submitter. Criteria: ACMG Guidelines, 2015. Collection method: clinical testing. Allele origin: germline. Observed: 1 variant allele.
Comment: BP4, PM1_supporting